The following is an entry in ClinVar:

NM_018685.5(ANLN):c.1786G>A (p.Glu596Lys)

Gene: ANLN (anillin, actin binding protein; plus strand). Cytogenetic location: 7p14.2.
Variant type: single nucleotide variant.
Coding change: c.1786G>A on transcript NM_018685.5 (MANE Select); coding-DNA position 1786, G replaced by A.
Protein change: p.Glu596Lys; replaces glutamic acid 596 with lysine.
Molecular consequence: missense variant.
Genome position (GRCh38, 1-based): chr7:36,419,396, G>A. VCF-style: chr7-36419396-G-A. GRCh37 (hg19) VCF-style: chr7-36459005-G-A.
Other names: c.1675G>A, p.Glu559Lys (NM_001284301.3); c.1672G>A, p.Glu558Lys (NM_001284302.3); short protein forms E559K, E558K, E596K.
Identifiers: ClinVar variation 1486960 (VCV001486960.6), dbSNP rs752000697, ClinGen allele CA4219700.

ClinVar aggregate classification (germline): Uncertain significance (1 of 4 stars; one submission).

Allele frequency attached by ClinVar (database versions not stated): gnomAD exomes below 0.00001 and 0.00001; ExAC 0.00001; gnomAD 0.00001.
gnomAD v4.1: 10 of 1,614,016 alleles (0.00062%); highest among the groups gnomAD compares: East Asian, 0.0022%; no homozygotes.

Submission:

Labcorp Genetics (formerly Invitae), Labcorp
Classification: Uncertain significance. Last evaluated: 2023-10-03. Review status: criteria provided, single submitter. Criteria: Invitae Variant Classification Sherloc (09022015). Collection method: clinical testing. Allele origin: germline.
Comment: This sequence change replaces glutamic acid, which is acidic and polar, with lysine, which is basic and polar, at codon 596 of the ANLN protein (p.Glu596Lys). This variant is present in population databases (rs752000697, gnomAD 0.0008%). This variant has not been reported in the literature in individuals affected with ANLN-related conditions. ClinVar contains an entry for this variant (Variation ID: 1486960). Advanced modeling of protein sequence and biophysical properties (such as structural, functional, and spatial information, amino acid conservation, physicochemical variation, residue mobility, and thermodynamic stability) performed at Invitae indicates that this missense variant is not expected to disrupt ANLN protein function. In summary, the available evidence is currently insufficient to determine the role of this variant in disease. Therefore, it has been classified as a Variant of Uncertain Significance.